The following is an entry in ClinVar:

NM_052813.5(CARD9):c.35G>A (p.Ser12Asn)

Gene: CARD9 (caspase recruitment domain family member 9; minus strand). Cytogenetic location: 9q34.3.
Variant type: single nucleotide variant.
Coding change: c.35G>A on transcript NM_052813.5 (MANE Select); coding-DNA position 35, G replaced by A.
Protein change: p.Ser12Asn; replaces serine 12 with asparagine.
Molecular consequence: missense variant.
Genome position (GRCh38, 1-based): chr9:136,372,044, C>T on the plus strand (G>A on the coding strand, the complement: CARD9 is on the minus strand). VCF-style: chr9-136372044-C-T. GRCh37 (hg19) VCF-style: chr9-139266496-C-T.
Other names: c.35G>A, p.Ser12Asn (NM_052814.4); short protein forms S12N.
Identifiers: ClinVar variation 365858 (VCV000365858.23), dbSNP rs4077515, ClinGen allele CA5333266.

ClinVar aggregate classification (germline): Benign/Likely benign. Review status: criteria provided, multiple submitters, no conflicts (2 of 4 stars). 8 submissions from 8 submitters: Benign (7); Likely benign (1). Last evaluated 2026-02-04.

Conditions:
Predisposition to invasive fungal disease due to CARD9 deficiency (IMD103). Also called: CARD9 IMMUNODEFICIENCY; IMMUNODEFICIENCY 103, SUSCEPTIBILITY TO FUNGAL INFECTIONS; Candidiasis, familial, 2, autosomal recessive. Identifiers: Orphanet 457088, MedGen C1859353, MONDO:0008905, OMIM 212050.

Allele frequency attached by ClinVar (database versions not stated): 1000 Genomes Project 0.36661; 1000 Genomes Project 30x 0.37133; ESP Exome Variant Server 0.37306; TOPMed 0.37811; gnomAD 0.38018 and 0.38134; ExAC 0.40195; gnomAD exomes 0.41660.
gnomAD v4.1: 664,941 of 1,612,496 alleles (41%); highest among the groups gnomAD compares: Admixed American, 52%; 140,040 homozygotes.

Submissions (8):

Labcorp Genetics (formerly Invitae), Labcorp
Classification: Benign for Predisposition to invasive fungal disease due to CARD9 deficiency. Last evaluated: 2026-02-04. Review status: criteria provided, single submitter. Criteria: Invitae Variant Classification Sherloc (09022015). Collection method: clinical testing. Allele origin: germline.

Blueprint Genetics
Classification: Likely benign. Last evaluated: 2024-11-27. Review status: criteria provided, single submitter. Criteria: ACMG Guidelines, 2015. Collection method: clinical testing. Allele origin: germline.

Unidad de Genómica Garrahan, Hospital de Pediatría Garrahan
Classification: Benign. Last evaluated: 2024-01-24. Review status: criteria provided, single submitter. Criteria: ACMG Guidelines, 2015. Collection method: clinical testing. Allele origin: germline. Affected: no. Observed: 67 variant alleles.
Comment: This variant is classified as Benign based on local population frequency. This variant was detected in 76% of patients studied by a panel of primary immunodeficiencies. Number of patients: 67. Only high quality variants are reported.

Mayo Clinic Laboratories, Mayo Clinic
Classification: Benign. Last evaluated: 2023-05-04. Review status: criteria provided, single submitter. Criteria: ACMG Guidelines, 2015. Collection method: clinical testing. Allele origin: germline. Observed: 65 variant alleles.
Comment: BA1, BP4

Genome-Nilou Lab
Classification: Benign for Predisposition to invasive fungal disease due to CARD9 deficiency. Last evaluated: 2021-07-14. Review status: criteria provided, single submitter. Criteria: ACMG Guidelines, 2015. Collection method: clinical testing. Allele origin: germline. Affected: no.

Illumina Laboratory Services, Illumina
Classification: Benign for Predisposition to invasive fungal disease due to CARD9 deficiency. Last evaluated: 2018-01-12. Review status: criteria provided, single submitter. Criteria: ICSL Variant Classification Criteria 13 December 2019. Collection method: clinical testing. Allele origin: germline.
Comment: This variant was observed in the ICSL laboratory as part of a predisposition screen in an ostensibly healthy population. It had not been previously curated by ICSL or reported in the Human Gene Mutation Database (HGMD: prior to June 1st, 2018), and was therefore a candidate for classification through an automated scoring system. Utilizing variant allele frequency, disease prevalence and penetrance estimates, and inheritance mode, an automated score was calculated to assess if this variant is too frequent to cause the disease. Based on the score and internal cut-off values, a variant classified as benign is not then subjected to further curation. The score for this variant resulted in a classification of benign for this disease.

Laboratory for Molecular Medicine, Mass General Brigham Personalized Medicine
Classification: Benign. Last evaluated: 2016-03-29. Review status: criteria provided, single submitter. Criteria: LMM Criteria. Collection method: clinical testing. Allele origin: germline.
Comment: Variant identified in a genome or exome case(s) and assessed due to predicted null impact of the variant or pathogenic assertions in the literature or databases. Disclaimer: This variant has not undergone full assessment. The following are preliminary notes: Frequency

Breakthrough Genomics
Classification: Benign. Review status: criteria provided, single submitter. Criteria: ACMG Guidelines, 2015. Collection method: not provided. Allele origin: germline. Inheritance: Autosomal recessive inheritance. Affected: yes.